The following is an entry in ClinVar:

ClinVar aggregate classification (germline): Likely benign (1 of 4 stars; one submission).

Allele frequency attached by ClinVar (database versions not stated): TOPMed below 0.00001; gnomAD 0.00001; gnomAD exomes 0.00001.
gnomAD v4.1: 23 of 1,613,272 alleles (0.0014%); highest among the groups gnomAD compares: Non-Finnish European, 0.0017%; no homozygotes.

Submission:

GeneDx
Classification: Likely benign. Last evaluated: 2017-12-05. Review status: criteria provided, single submitter. Criteria: GeneDx Variant Classification (06012015). Collection method: clinical testing. Allele origin: germline. Affected: yes.
Comment: This variant is considered likely benign or benign based on one or more of the following criteria: it is a conservative change, it occurs at a poorly conserved position in the protein, it is predicted to be benign by multiple in silico algorithms, and/or has population frequency not consistent with disease.

NM_001267550.2(TTN):c.22111A>G (p.Thr7371Ala)

Gene: TTN (titin; minus strand). Cytogenetic location: 2q31.2.
Variant type: single nucleotide variant.
Coding change: c.22111A>G on transcript NM_001267550.2 (MANE Select); coding-DNA position 22111, A replaced by G.
Protein change: p.Thr7371Ala; replaces threonine 7371 with alanine.
Molecular consequence: missense variant. On other transcripts: intron variant (3).
Genome position (GRCh38, 1-based): chr2:178,722,788, T>C on the plus strand (A>G on the coding strand, the complement: TTN is on the minus strand). VCF-style: chr2-178722788-T-C. GRCh37 (hg19) VCF-style: chr2-179587515-T-C.
Other names: c.21160A>G, p.Thr7054Ala (NM_001256850.1); c.18379A>G, p.Thr6127Ala (NM_133378.4); c.13282+15294A>G (NM_003319.4); c.13858+15294A>G (NM_133437.4); c.13657+15294A>G (NM_133432.3); short protein forms T7054A, T7371A, T6127A.
Identifiers: ClinVar variation 514027 (VCV000514027.1), dbSNP rs1381030080, ClinGen allele CA349529244.